The following is an entry in ClinVar:

NM_000051.4(ATM):c.1065+4del

Gene: ATM (ATM serine/threonine kinase; plus strand). Cytogenetic location: 11q22.3.
Variant type: Deletion.
Coding change: c.1065+4del on transcript NM_000051.4 (MANE Select); 4 bases into the intron after coding-DNA position 1065, one base deleted (C; older notation c.1065+4delC).
Molecular consequence: intron variant.
Genome position (GRCh38, 1-based): chr11:108,247,131, C deleted. VCF-style (leftmost placement, unchanged base first): chr11-108247130-AC-A. GRCh37 (hg19) VCF-style: chr11-108117857-AC-A.
Other names: c.1065+4del (NM_001351834.2).
Identifiers: ClinVar variation 1396894 (VCV001396894.6), dbSNP rs2135269839, ClinGen allele CA2573146438.
Genomic context (GRCh38, chr11:108,247,130, plus strand): 5'-TCGTAATATTGCCGTCAAAGAAAATTTGATTGAATTGATGGCAGATATCTGTCACCAGGT[AC>A]AGTAAGTAGGTCATGTCACATTTAGAAATTTCCTGTTAATTTTTTTTTTAAACTGGGCAT-3'

ClinVar aggregate classification (germline): Uncertain significance (1 of 4 stars; one submission).

Conditions:
Ataxia-telangiectasia syndrome (AT). Also called: Ataxia-telangiectasia, complementation group D; Ataxia telangiectasia (A-T); Cerebello-oculocutaneous telangiectasia; Immunodeficiency with ataxia telangiectasia; ATAXIA-TELANGIECTASIA, COMPLEMENTATION GROUP A; ATAXIA-TELANGIECTASIA, FRESNO VARIANT. Identifiers: Orphanet 100, MedGen C0004135, MONDO:0008840, OMIM 208900.

Submission:

Labcorp Genetics (formerly Invitae), Labcorp
Classification: Uncertain significance for Ataxia-telangiectasia syndrome. Last evaluated: 2021-12-13. Review status: criteria provided, single submitter. Criteria: Invitae Variant Classification Sherloc (09022015). Collection method: clinical testing. Allele origin: germline.
Comment: This variant is not present in population databases (gnomAD no frequency). This sequence change falls in intron 8 of the ATM gene. It does not directly change the encoded amino acid sequence of the ATM protein. It affects a nucleotide within the consensus splice site. This variant has not been reported in the literature in individuals affected with ATM-related conditions. In summary, the available evidence is currently insufficient to determine the role of this variant in disease. Therefore, it has been classified as a Variant of Uncertain Significance. Variants that disrupt the consensus splice site are a relatively common cause of aberrant splicing (PMID: 17576681, 9536098). Algorithms developed to predict the effect of sequence changes on RNA splicing suggest that this variant may create or strengthen a splice site.

Literature cited by the submitters: PubMed 17576681; PubMed 9536098.